The following is an entry in ClinVar:

NM_000222.3(KIT):c.842G>A (p.Arg281Lys)

Gene: KIT (KIT proto-oncogene, receptor tyrosine kinase; plus strand). Cytogenetic location: 4q12.
Variant type: single nucleotide variant.
Coding change: c.842G>A on transcript NM_000222.3 (MANE Select); coding-DNA position 842, G replaced by A.
Protein change: p.Arg281Lys; replaces arginine 281 with lysine.
Molecular consequence: missense variant.
Genome position (GRCh38, 1-based): chr4:54,703,809, G>A. VCF-style: chr4-54703809-G-A. GRCh37 (hg19) VCF-style: chr4-55569975-G-A.
Other names: c.842G>A, p.Arg281Lys (NM_001093772.2, NM_001385285.1, NM_001385286.1); c.845G>A, p.Arg282Lys (NM_001385284.1, NM_001385288.1, NM_001385290.1 and 1 more transcripts); short protein forms R281K, R282K.
Identifiers: ClinVar variation 528550 (VCV000528550.12), dbSNP rs147367441, ClinGen allele CA2923329.

ClinVar aggregate classification (germline): Conflicting classifications of pathogenicity. Review status: criteria provided, conflicting classifications (1 of 4 stars). 4 submissions from 4 submitters: Uncertain significance (2); Likely benign (2). Last evaluated 2026-05-26.

Conditions:
Gastrointestinal stromal tumor. Also called: Gastrointestinal stroma tumor; Gastrointestinal stromal tumor, somatic. Identifiers: Orphanet 44890, MedGen C0238198, MeSH D046152, MONDO:0011719, OMIM 606764, HP:0100723.
Hereditary cancer-predisposing syndrome. Also called: Tumor predisposition; Hereditary neoplastic syndrome; Hereditary Cancer Syndrome; Neoplastic Syndromes, Hereditary. Identifiers: Orphanet 140162, MedGen C0027672, MeSH D009386, MONDO:0015356.

Allele frequency attached by ClinVar (database versions not stated): gnomAD exomes 0.00001 and 0.00002; ExAC 0.00002; TOPMed 0.00002; gnomAD 0.00003; ESP Exome Variant Server 0.00008.
gnomAD v4.1: 28 of 1,613,668 alleles (0.0017%); highest among the groups gnomAD compares: African/African-American, 0.004%; no homozygotes.

Submissions (4):

Myriad Genetics, Inc.
Classification: Likely benign for Gastrointestinal stromal tumor. Last evaluated: 2026-05-26. Review status: criteria provided, single submitter. Criteria: Myriad Autosomal Dominant, Autosomal Recessive and X-Linked Classification Criteria (2023). Collection method: clinical testing. Allele origin: unknown.
Comment: This variant is considered likely benign. This variant has been observed at a population frequency that is significantly greater than expected given the associated disease prevalence and penetrance.

Labcorp Genetics (formerly Invitae), Labcorp
Classification: Uncertain significance for Gastrointestinal stromal tumor. Last evaluated: 2025-08-11. Review status: criteria provided, single submitter. Criteria: Invitae Variant Classification Sherloc (09022015). Collection method: clinical testing. Allele origin: germline.
Comment: This sequence change replaces arginine, which is basic and polar, with lysine, which is basic and polar, at codon 281 of the KIT protein (p.Arg281Lys). This variant is present in population databases (rs147367441, gnomAD 0.002%). This variant has not been reported in the literature in individuals affected with KIT-related conditions. ClinVar contains an entry for this variant (Variation ID: 528550). An algorithm developed to predict the effect of missense changes on protein structure and function outputs the following: PolyPhen-2: "Benign". The lysine amino acid residue is found in multiple mammalian species, which suggests that this missense change does not adversely affect protein function. In summary, the available evidence is currently insufficient to determine the role of this variant in disease. Therefore, it has been classified as a Variant of Uncertain Significance.

Ambry Genetics
Classification: Likely benign for Hereditary cancer-predisposing syndrome. Last evaluated: 2025-03-28. Review status: criteria provided, single submitter. Criteria: Ambry Variant Classification Scheme 2023. Collection method: clinical testing. Allele origin: germline.

GeneDx
Classification: Uncertain significance. Last evaluated: 2022-08-16. Review status: criteria provided, single submitter. Criteria: GeneDx Variant Classification Process June 2021. Collection method: clinical testing. Allele origin: germline. Affected: yes.
Comment: Not observed at significant frequency in large population cohorts (gnomAD); In silico analysis supports that this missense variant does not alter protein structure/function; Has not been previously published as pathogenic or benign to our knowledge